The following is an entry in ClinVar:

NM_000059.4(BRCA2):c.2747G>T (p.Cys916Phe)

Gene: BRCA2 (BRCA2 DNA repair associated; plus strand). Cytogenetic location: 13q13.1.
Variant type: single nucleotide variant.
Coding change: c.2747G>T on transcript NM_000059.4 (MANE Select); coding-DNA position 2747, G replaced by T.
Protein change: p.Cys916Phe; replaces cysteine 916 with phenylalanine.
Molecular consequence: missense variant.
Genome position (GRCh38, 1-based): chr13:32,337,102, G>T. VCF-style: chr13-32337102-G-T. GRCh37 (hg19) VCF-style: chr13-32911239-G-T.
Other names: c.2747G>T (NM_000059.3); short protein forms C916F.
Identifiers: ClinVar variation 1049992 (VCV001049992.5), dbSNP rs2072463871, ClinGen allele CA387773634.

ClinVar aggregate classification (germline): Conflicting classifications of pathogenicity. Review status: criteria provided, conflicting classifications (1 of 4 stars). 4 submissions from 4 submitters: Uncertain significance (2); Likely benign (1). 1 of the submissions does not count toward it. Last evaluated 2025-06-22.

Conditions:
Hereditary cancer-predisposing syndrome. Also called: Tumor predisposition; Hereditary neoplastic syndrome; Hereditary Cancer Syndrome; Neoplastic Syndromes, Hereditary. Identifiers: Orphanet 140162, MedGen C0027672, MeSH D009386, MONDO:0015356.

Submissions (4):

Ambry Genetics
Classification: Uncertain significance for Hereditary cancer-predisposing syndrome. Last evaluated: 2025-06-22. Review status: criteria provided, single submitter. Criteria: Ambry Variant Classification Scheme 2023. Collection method: clinical testing. Allele origin: germline.
Comment: The p.C916F variant (also known as c.2747G>T), located in coding exon 10 of the BRCA2 gene, results from a G to T substitution at nucleotide position 2747. The cysteine at codon 916 is replaced by phenylalanine, an amino acid with highly dissimilar properties. This amino acid position is conserved. In addition, this alteration is predicted to be tolerated by in silico analysis. Based on the available evidence, the clinical significance of this variant remains unclear.

GeneDx
Classification: Uncertain significance. Last evaluated: 2025-04-01. Review status: criteria provided, single submitter. Criteria: GeneDx Variant Classification Process June 2021. Collection method: clinical testing. Allele origin: germline. Affected: yes.
Comment: Not observed at significant frequency in large population cohorts (gnomAD); In silico analysis supports that this missense variant has a deleterious effect on protein structure/function; Has not been previously published as pathogenic or benign to our knowledge; Also known as 2975G>T

University of Washington Department of Laboratory Medicine, University of Washington
Classification: Likely benign for Hereditary cancer-predisposing syndrome. Last evaluated: 2023-03-23. Review status: criteria provided, single submitter. Criteria: Dines et al. (Genet Med. 2020). Collection method: curation. Allele origin: germline.
Comment: Missense variant in a coldspot region where missense variants are very unlikely to be pathogenic (PMID:31911673).

BRCA2 exon 11 coldspot. Reclassification based on statistical prior probability.

Department of Pathology and Laboratory Medicine, Sinai Health System
Classification: Uncertain significance. Review status: no assertion criteria provided. Collection method: clinical testing. Allele origin: unknown. Affected: yes. Observed: 1 variant allele. Study: The Canadian Open Genetics Repository (COGR). Not counted in ClinVar's aggregate classification.